The following is an entry in ClinVar:

NM_001278495.2(NUTM2B):c.1593C>T (p.Ser531=)

Genes: NUTM2B (NUT family member 2B; plus strand), NUTM2B-AS1 (NUTM2B antisense RNA 1; minus strand). Cytogenetic location: 10q22.3.
Variant type: single nucleotide variant.
Coding change: c.1593C>T on transcript NM_001278495.2 (MANE Select); coding-DNA position 1593, C replaced by T.
Protein change: p.Ser531=; no amino-acid change (serine 531 retained).
Molecular consequence: synonymous variant.
Genome position (GRCh38, 1-based): chr10:79,710,623, C>T. VCF-style: chr10-79710623-C-T. GRCh37 (hg19) VCF-style: chr10-81470379-C-T.
Identifiers: ClinVar variation 3771615 (VCV003771615.13).

ClinVar aggregate classification (germline): Likely benign (1 of 4 stars; one submission).

Submission:

CeGaT Center for Human Genetics Tuebingen
Classification: Likely benign. Last evaluated: 2024-12-01. Review status: criteria provided, single submitter. Criteria: CeGaT Center For Human Genetics Tuebingen Variant Classification Criteria Version 2. Collection method: clinical testing. Allele origin: germline. Affected: yes. Observed: 1 variant allele.
Comment: NUTM2B: BP4, BP7